The following continues an entry in ClinVar:

NM_000053.4(ATP7B):c.1922T>C (p.Leu641Ser)

Gene: ATP7B. ClinVar aggregate classification (germline): Conflicting classifications of pathogenicity. Likely pathogenic (1); Uncertain significance (14); Likely benign (1).

Submissions 10 to 16 of 16:

Labcorp Genetics (formerly Invitae), Labcorp
Classification: Uncertain significance for Wilson disease. Last evaluated: 2024-01-29. Review status: criteria provided, single submitter. Criteria: Invitae Variant Classification Sherloc (09022015). Collection method: clinical testing. Allele origin: germline.
Comment: This sequence change replaces leucine, which is neutral and non-polar, with serine, which is neutral and polar, at codon 641 of the ATP7B protein (p.Leu641Ser). This variant is present in population databases (rs186924074, gnomAD 0.08%), and has an allele count higher than expected for a pathogenic variant. This missense change has been observed in individual(s) with Wilson disease (PMID: 15967699, 16088907, 22677543, 23518715, 34400371). ClinVar contains an entry for this variant (Variation ID: 420002). Advanced modeling of protein sequence and biophysical properties (such as structural, functional, and spatial information, amino acid conservation, physicochemical variation, residue mobility, and thermodynamic stability) has been performed at Invitae for this missense variant, however the output from this modeling did not meet the statistical confidence thresholds required to predict the impact of this variant on ATP7B protein function. Experimental studies have shown that this missense change does not substantially affect ATP7B function (PMID: 17919502, 24706876). In summary, the available evidence is currently insufficient to determine the role of this variant in disease. Therefore, it has been classified as a Variant of Uncertain Significance.

Ambry Genetics
Classification: Uncertain significance for Inborn genetic diseases. Last evaluated: 2022-09-30. Review status: criteria provided, single submitter. Criteria: Ambry Variant Classification Scheme 2023. Collection method: clinical testing. Allele origin: germline.
Comment: The c.1922T>C (p.L641S) alteration is located in exon 6 (coding exon 6) of the ATP7B gene. This alteration results from a T to C substitution at nucleotide position 1922, causing the leucine (L) at amino acid position 641 to be replaced by a serine (S). The altered amino acid is conserved throughout evolution:_x000D_ _x000D_ The p.L641 amino acid is conserved in available vertebrate species. The p.L641S alteration is predicted to be deleterious by in silico analysis. Based on insufficient or conflicting evidence, the clinical significance of this alteration remains unclear.

Myriad Genetics, Inc.
Classification: Uncertain significance for Wilson disease. Last evaluated: 2021-11-08. Review status: criteria provided, single submitter. Criteria: Myriad Women's Health Autosomal Recessive and X-Linked Classification Criteria (2021). Collection method: clinical testing. Allele origin: unknown.
Comment: NM_000053.3(ATP7B):c.1922T>C(L641S) is a missense variant classified as a variant of uncertain significance in the context of Wilson disease. L641S has been observed in cases with relevant disease (PMID: 30232804, 15967699, 16088907, 22677543). Functional assessments of this variant are available in the literature (PMID: 24706876, 17919502). L641S has been observed in population frequency databases (gnomAD: NFE 0.08%). In summary, there is insufficient evidence to classify NM_000053.3(ATP7B):c.1922T>C(L641S) as pathogenic or benign. Please note: this variant was assessed in the context of healthy population screening.

Genome-Nilou Lab
Classification: Uncertain significance for Wilson disease. Last evaluated: 2021-08-10. Review status: criteria provided, single submitter. Criteria: ACMG Guidelines, 2015. Collection method: clinical testing. Allele origin: germline. Affected: no.

CeGaT Center for Human Genetics Tuebingen
Classification: Uncertain significance. Last evaluated: 2019-12-01. Review status: criteria provided, single submitter. Criteria: CeGaT Center For Human Genetics Tuebingen Variant Classification Criteria Version 2. Collection method: clinical testing. Allele origin: germline. Affected: yes. Observed: 3 variant alleles.

Institute of Human Genetics, University of Leipzig Medical Center
Classification: Likely benign for Wilson disease. Last evaluated: 2019-01-01. Review status: criteria provided, single submitter. Criteria: ACMG Guidelines, 2015. Collection method: clinical testing. Allele origin: unknown. Affected: yes.

Illumina Laboratory Services, Illumina
Classification: Uncertain significance for Wilson disease. Last evaluated: 2017-04-27. Review status: criteria provided, single submitter. Criteria: ICSL Variant Classification Criteria 13 December 2019. Collection method: clinical testing. Allele origin: germline.
Comment: This variant was observed as part of a predisposition screen in an ostensibly healthy population. A literature search was performed for the gene, cDNA change, and amino acid change (where applicable). Publications were found based on this search. However, the evidence from the literature, in combination with allele frequency data from public databases where available, was not sufficient to rule this variant in or out of causing disease. Therefore, this variant is classified as a variant of unknown significance.

Literature cited by the submitters: PubMed 16088907 (cited by 7 submitters); PubMed 18371106 (cited by Women's Health and Genetics/Laboratory Corporation of America, LabCorp and Mayo Clinic Laboratories, Mayo Clinic); PubMed 15967699 (cited by 7 submitters); PubMed 17919502 (cited by 7 submitters); PubMed 23518715 (cited by 6 submitters); PubMed 22677543 (cited by 7 submitters); PubMed 24706876 (cited by 7 submitters); PubMed 30097039 (cited by 4 submitters); PubMed 30232804 (cited by 5 submitters); PubMed 32248359 (cited by Women's Health and Genetics/Laboratory Corporation of America, LabCorp and Mayo Clinic Laboratories, Mayo Clinic); PubMed 31449670 (cited by Women's Health and Genetics/Laboratory Corporation of America, LabCorp); PubMed 34400371 (cited by 6 submitters); PubMed 36096368 (cited by Women's Health and Genetics/Laboratory Corporation of America, LabCorp and Mayo Clinic Laboratories, Mayo Clinic); PubMed 40661833 (cited by Women's Health and Genetics/Laboratory Corporation of America, LabCorp and Mayo Clinic Laboratories, Mayo Clinic); PubMed 23029640 (cited by Mayo Clinic Laboratories, Mayo Clinic); PubMed 34620762 (cited by 3 submitters); PubMed 35132767 (cited by Mayo Clinic Laboratories, Mayo Clinic); PubMed 39502306 (cited by Mayo Clinic Laboratories, Mayo Clinic).